The following is an entry in ClinVar:

ClinVar aggregate classification (germline): Uncertain significance (1 of 4 stars; one submission).

gnomAD v4.1: 1 of 1,613,958 alleles (0.000062%); highest among the groups gnomAD compares: African/African-American, 0.0013%; no homozygotes.

Submission:

GeneDx
Classification: Uncertain significance. Last evaluated: 2025-07-09. Review status: criteria provided, single submitter. Criteria: GeneDx Variant Classification Process June 2021. Collection method: clinical testing. Allele origin: germline. Affected: yes.
Comment: Not observed at significant frequency in large population cohorts (gnomAD); In silico analysis suggests that this missense variant does not alter protein structure/function; Has not been previously published as pathogenic or benign to our knowledge

NM_001145358.2(SIN3A):c.3484C>A (p.Leu1162Met)

Gene: SIN3A (SIN3 transcription regulator family member A; minus strand). Cytogenetic location: 15q24.2.
Variant type: single nucleotide variant.
Coding change: c.3484C>A on transcript NM_001145358.2 (MANE Select); coding-DNA position 3484, C replaced by A.
Protein change: p.Leu1162Met; replaces leucine 1162 with methionine.
Molecular consequence: missense variant.
Genome position (GRCh38, 1-based): chr15:75,375,772, G>T on the plus strand (C>A on the coding strand, the complement: SIN3A is on the minus strand). VCF-style: chr15-75375772-G-T. GRCh37 (hg19) VCF-style: chr15-75668113-G-T.
Other names: c.3484C>A, p.Leu1162Met (NM_001145357.2, NM_001437462.1, NM_001437463.1 and 1 more transcripts); short protein forms L1162M.
Identifiers: ClinVar variation 4685375 (VCV004685375.1).